The following is an entry in ClinVar:

ClinVar aggregate classification (germline): Uncertain significance (1 of 4 stars; one submission).

Conditions:
Parathyroid carcinoma (PRTC). Also called: CDC73-Related Parathyroid Carcinoma; Parathyroid gland carcinoma. Identifiers: Orphanet 143, MedGen C0687150, MONDO:0012004, OMIM 608266, HP:0006780.

Submission:

Labcorp Genetics (formerly Invitae), Labcorp
Classification: Uncertain significance for Parathyroid carcinoma. Last evaluated: 2022-06-13. Review status: criteria provided, single submitter. Criteria: Invitae Variant Classification Sherloc (09022015). Collection method: clinical testing. Allele origin: germline.
Comment: This sequence change replaces arginine, which is basic and polar, with histidine, which is basic and polar, at codon 156 of the CDC73 protein (p.Arg156His). This variant is not present in population databases (gnomAD no frequency). This variant has not been reported in the literature in individuals affected with CDC73-related conditions. ClinVar contains an entry for this variant (Variation ID: 663478). Algorithms developed to predict the effect of missense changes on protein structure and function are either unavailable or do not agree on the potential impact of this missense change (SIFT: "Deleterious"; PolyPhen-2: "Possibly Damaging"; Align-GVGD: "Class C0"). In summary, the available evidence is currently insufficient to determine the role of this variant in disease. Therefore, it has been classified as a Variant of Uncertain Significance.

NM_024529.5(CDC73):c.467G>A (p.Arg156His)

Gene: CDC73 (cell division cycle 73; plus strand). Cytogenetic location: 1q31.2.
Variant type: single nucleotide variant.
Coding change: c.467G>A on transcript NM_024529.5 (MANE Select); coding-DNA position 467, G replaced by A.
Protein change: p.Arg156His; replaces arginine 156 with histidine.
Molecular consequence: missense variant.
Genome position (GRCh38, 1-based): chr1:193,138,128, G>A. VCF-style: chr1-193138128-G-A. GRCh37 (hg19) VCF-style: chr1-193107258-G-A.
Other names: short protein forms R156H.
Identifiers: ClinVar variation 663478 (VCV000663478.9), dbSNP rs1572152406, ClinGen allele CA343961189.